The following is an entry in ClinVar:

NM_020738.4(KIDINS220):c.3300C>A (p.Ser1100=)

Gene: KIDINS220 (kinase D interacting substrate 220; minus strand). Cytogenetic location: 2p25.1.
Variant type: single nucleotide variant.
Coding change: c.3300C>A on transcript NM_020738.4 (MANE Select); coding-DNA position 3300, C replaced by A.
Protein change: p.Ser1100=; no amino-acid change (serine 1100 retained).
Molecular consequence: synonymous variant. On other transcripts: non-coding transcript variant (2).
Genome position (GRCh38, 1-based): chr2:8,750,226, G>T on the plus strand (C>A on the coding strand, the complement: KIDINS220 is on the minus strand). VCF-style: chr2-8750226-G-T. GRCh37 (hg19) VCF-style: chr2-8890356-G-T.
Other names: c.3303C>A, p.Ser1101= (NM_001348729.2, NM_001348731.2, NM_001348734.2 and 2 more transcripts); c.3300C>A, p.Ser1100= (NM_001348732.2, NM_001348735.2, NM_001348738.2 and 3 more transcripts); c.3174C>A, p.Ser1058= (NM_001348736.2).
Identifiers: ClinVar variation 3356492 (VCV003356492.1).

ClinVar aggregate classification (germline): Likely benign (0 of 4 stars; one submission).

Conditions:
KIDINS220-related disorder. Also called: KIDINS220-related condition.

gnomAD v4.1: 1 of 1,614,162 alleles (0.000062%); highest among the groups gnomAD compares: Non-Finnish European, 0.000085%; no homozygotes.

Submission:

PreventionGenetics, part of Exact Sciences
Classification: Likely benign for KIDINS220-related condition. Last evaluated: 2023-06-26. Review status: no assertion criteria provided. Collection method: clinical testing. Allele origin: germline.
Comment: This variant is classified as likely benign based on ACMG/AMP sequence variant interpretation guidelines (Richards et al. 2015 PMID: 25741868, with internal and published modifications).